The following is an entry in ClinVar:

NM_000065.5(C6):c.1849G>A (p.Glu617Lys)

Gene: C6 (complement C6; minus strand). Cytogenetic location: 5p13.1.
Variant type: single nucleotide variant.
Coding change: c.1849G>A on transcript NM_000065.5 (MANE Select); coding-DNA position 1849, G replaced by A.
Protein change: p.Glu617Lys; replaces glutamic acid 617 with lysine.
Molecular consequence: missense variant.
Genome position (GRCh38, 1-based): chr5:41,159,089, C>T on the plus strand (G>A on the coding strand, the complement: C6 is on the minus strand). VCF-style: chr5-41159089-C-T. GRCh37 (hg19) VCF-style: chr5-41159191-C-T.
Other names: c.1849G>A, p.Glu617Lys (NM_001115131.4); short protein forms E617K.
Identifiers: ClinVar variation 1903851 (VCV001903851.6), dbSNP rs755665447, ClinGen allele CA3252320.

ClinVar aggregate classification (germline): Uncertain significance. Review status: criteria provided, multiple submitters, no conflicts (2 of 4 stars). 2 submissions from 2 submitters: Uncertain significance (2). Last evaluated 2025-08-21.

Conditions:
Inborn genetic diseases. Identifiers: MedGen C0950123, MeSH D030342.

Allele frequency attached by ClinVar (database versions not stated): gnomAD exomes 0.00003; gnomAD 0.00005; ExAC 0.00008.
gnomAD v4.1: 56 of 1,613,680 alleles (0.0035%); highest among the groups gnomAD compares: South Asian, 0.054%; 2 homozygotes.

Submissions (2):

Ambry Genetics
Classification: Uncertain significance for Inborn genetic diseases. Last evaluated: 2025-08-21. Review status: criteria provided, single submitter. Criteria: Ambry Variant Classification Scheme 2023. Collection method: clinical testing. Allele origin: germline.

Labcorp Genetics (formerly Invitae), Labcorp
Classification: Uncertain significance. Last evaluated: 2022-09-19. Review status: criteria provided, single submitter. Criteria: Invitae Variant Classification Sherloc (09022015). Collection method: clinical testing. Allele origin: germline.
Comment: In summary, the available evidence is currently insufficient to determine the role of this variant in disease. Therefore, it has been classified as a Variant of Uncertain Significance. Algorithms developed to predict the effect of missense changes on protein structure and function (SIFT, PolyPhen-2, Align-GVGD) all suggest that this variant is likely to be tolerated. This variant has not been reported in the literature in individuals affected with C6-related conditions. This variant is present in population databases (rs755665447, gnomAD 0.04%). This sequence change replaces glutamic acid, which is acidic and polar, with lysine, which is basic and polar, at codon 617 of the C6 protein (p.Glu617Lys).